The following is an entry in ClinVar:

ClinVar aggregate classification (germline): Likely benign (1 of 4 stars; one submission).

Allele frequency attached by ClinVar (database versions not stated): 1000 Genomes Project 0.00899; 1000 Genomes Project 30x 0.00999; gnomAD 0.01271 and 0.01300; TOPMed 0.01322.
gnomAD v4.1: 1,931 of 152,152 alleles (1.3%); highest among the groups gnomAD compares: Non-Finnish European, 1.7%; 24 homozygotes.

Submission:

GeneDx
Classification: Likely benign. Last evaluated: 2018-06-16. Review status: criteria provided, single submitter. Criteria: GeneDx Variant Classification (06012015). Collection method: clinical testing. Allele origin: germline. Affected: yes.
Comment: This variant is considered likely benign or benign based on one or more of the following criteria: it is a conservative change, it occurs at a poorly conserved position in the protein, it is predicted to be benign by multiple in silico algorithms, and/or has population frequency not consistent with disease.

NM_213599.3(ANO5):c.879-263G>A

Gene: ANO5 (anoctamin 5; plus strand). Cytogenetic location: 11p14.3.
Variant type: single nucleotide variant.
Coding change: c.879-263G>A on transcript NM_213599.3 (MANE Select); 263 bases into the intron before coding-DNA position 879, G replaced by A.
Molecular consequence: intron variant.
Genome position (GRCh38, 1-based): chr11:22,249,974, G>A. VCF-style: chr11-22249974-G-A. GRCh37 (hg19) VCF-style: chr11-22271520-G-A.
Other names: c.876-263G>A (NM_001142649.2).
Identifiers: ClinVar variation 673574 (VCV000673574.1), dbSNP rs113327729, ClinGen allele CA218752614.